The following is an entry in ClinVar:

NM_001081550.2(THOC2):c.883A>G (p.Ile295Val)

Gene: THOC2 (THO complex subunit 2; minus strand). Cytogenetic location: Xq25.
Variant type: single nucleotide variant.
Coding change: c.883A>G on transcript NM_001081550.2 (MANE Select); coding-DNA position 883, A replaced by G.
Protein change: p.Ile295Val; replaces isoleucine 295 with valine.
Molecular consequence: missense variant.
Genome position (GRCh38, 1-based): chrX:123,668,293, T>C on the plus strand (A>G on the coding strand, the complement: THOC2 is on the minus strand). VCF-style: chrX-123668293-T-C. GRCh37 (hg19) VCF-style: chrX-122802144-T-C.
Other names: c.883A>G, p.Ile295Val (NM_001441235.1, NM_001441236.1); short protein forms I295V.
Identifiers: ClinVar variation 4994614 (VCV004994614.1).

ClinVar aggregate classification (germline): Uncertain significance (1 of 4 stars; one submission).

Conditions:
THOC2-related disorder. Also called: THOC2-related condition.

gnomAD v4.1: 1 of 1,189,419 alleles (0.000084%); highest among the groups gnomAD compares: Non-Finnish European, 0.00011%; no homozygotes.

Submission:

PreventionGenetics, part of Exact Sciences
Classification: Uncertain significance for THOC2-related condition. Last evaluated: 2026-09-03. Review status: criteria provided, single submitter. Criteria: ACMG Guidelines, 2015. Collection method: clinical testing. Allele origin: germline.
Comment: The THOC2 c.883A>G variant is predicted to result in the amino acid substitution p.Ile295Val. To our knowledge, this variant has not been reported in the literature or in a large population database (gnomAD), indicating this variant is rare. At this time, the clinical significance of this variant is uncertain due to the absence of conclusive functional and genetic evidence.